The following is an entry in ClinVar:

ClinVar aggregate classification (germline): Uncertain significance (1 of 4 stars; one submission).

Submission:

Labcorp Genetics (formerly Invitae), Labcorp
Classification: Uncertain significance. Last evaluated: 2025-10-18. Review status: criteria provided, single submitter. Criteria: Invitae Variant Classification Sherloc (09022015). Collection method: clinical testing. Allele origin: germline.
Comment: This sequence change replaces proline, which is neutral and non-polar, with arginine, which is basic and polar, at codon 929 of the SAMD9 protein (p.Pro929Arg). This variant is not present in population databases (gnomAD no frequency). This variant has not been reported in the literature in individuals affected with SAMD9-related conditions. Invitae Evidence Modeling of protein sequence and biophysical properties (such as structural, functional, and spatial information, amino acid conservation, physicochemical variation, residue mobility, and thermodynamic stability) indicates that this missense variant is not expected to disrupt SAMD9 protein function with a negative predictive value of 95%. In summary, the available evidence is currently insufficient to determine the role of this variant in disease. Therefore, it has been classified as a Variant of Uncertain Significance.

NM_017654.4(SAMD9):c.2786C>G (p.Pro929Arg)

Gene: SAMD9 (sterile alpha motif domain containing 9; minus strand). Cytogenetic location: 7q21.2.
Variant type: single nucleotide variant.
Coding change: c.2786C>G on transcript NM_017654.4 (MANE Select); coding-DNA position 2786, C replaced by G.
Protein change: p.Pro929Arg; replaces proline 929 with arginine.
Molecular consequence: missense variant.
Genome position (GRCh38, 1-based): chr7:93,103,312, G>C on the plus strand (C>G on the coding strand, the complement: SAMD9 is on the minus strand). VCF-style: chr7-93103312-G-C. GRCh37 (hg19) VCF-style: chr7-92732625-G-C.
Other names: c.2786C>G, p.Pro929Arg (NM_001193307.2); short protein forms P929R.
Identifiers: ClinVar variation 4802481 (VCV004802481.1).